The following is an entry in ClinVar:

NM_014423.4(AFF4):c.2218G>A (p.Glu740Lys)

Gene: AFF4 (ALF transcription elongation factor 4; minus strand). Cytogenetic location: 5q31.1.
Variant type: single nucleotide variant.
Coding change: c.2218G>A on transcript NM_014423.4 (MANE Select); coding-DNA position 2218, G replaced by A.
Protein change: p.Glu740Lys; replaces glutamic acid 740 with lysine.
Molecular consequence: missense variant.
Genome position (GRCh38, 1-based): chr5:132,896,412, C>T on the plus strand (G>A on the coding strand, the complement: AFF4 is on the minus strand). VCF-style: chr5-132896412-C-T. GRCh37 (hg19) VCF-style: chr5-132232104-C-T.
Other names: short protein forms E740K.
Identifiers: ClinVar variation 4247942 (VCV004247942.3).

ClinVar aggregate classification (germline): Uncertain significance. Review status: criteria provided, multiple submitters, no conflicts (2 of 4 stars). 3 submissions from 3 submitters: Uncertain significance (3). Last evaluated 2025-11-17.

Conditions:
AFF4-related disorder. Also called: AFF4-related condition.
Inborn genetic diseases. Identifiers: MedGen C0950123, MeSH D030342.
Cognitive impairment - coarse facies - heart defects - obesity - pulmonary involvement - short stature - skeletal dysplasia syndrome. Also called: AFF4-Related CHOPS Syndrome; Chops syndrome; COGNITIVE IMPAIRMENT, COARSE FACIES, HEART DEFECTS, OBESITY, PULMONARY INVOLVEMENT, SHORT STATURE, AND SKELETAL DYSPLASIA. Identifiers: Orphanet 444077, MedGen C4085597, MONDO:0014609, OMIM 616368.

gnomAD v4.1: 2 of 1,613,728 alleles (0.00012%); highest among the groups gnomAD compares: Non-Finnish European, 0.00017%; no homozygotes.

Submissions (3):

PreventionGenetics, part of Exact Sciences
Classification: Uncertain significance for AFF4-related condition. Last evaluated: 2025-11-17. Review status: criteria provided, single submitter. Criteria: ACMG Guidelines, 2015. Collection method: clinical testing. Allele origin: germline.
Comment: The AFF4 c.2218G>A variant is predicted to result in the amino acid substitution p.Glu740Lys. To our knowledge, this variant has not been reported in the literature or in a large population database (gnomAD), indicating this variant is rare. At this time, the clinical significance of this variant is uncertain due to the absence of conclusive functional and genetic evidence.

Labcorp Genetics (formerly Invitae), Labcorp
Classification: Uncertain significance for Cognitive impairment - coarse facies - heart defects - obesity - pulmonary involvement - short stature - skeletal dysplasia syndrome. Last evaluated: 2025-08-05. Review status: criteria provided, single submitter. Criteria: Invitae Variant Classification Sherloc (09022015). Collection method: clinical testing. Allele origin: germline.
Comment: This sequence change replaces glutamic acid, which is acidic and polar, with lysine, which is basic and polar, at codon 740 of the AFF4 protein (p.Glu740Lys). This variant is not present in population databases (gnomAD no frequency). This variant has not been reported in the literature in individuals affected with AFF4-related conditions. Invitae Evidence Modeling of protein sequence and biophysical properties (such as structural, functional, and spatial information, amino acid conservation, physicochemical variation, residue mobility, and thermodynamic stability) has been performed for this missense variant. However, the output from this modeling did not meet the statistical confidence thresholds required to predict the impact of this variant on AFF4 protein function. In summary, the available evidence is currently insufficient to determine the role of this variant in disease. Therefore, it has been classified as a Variant of Uncertain Significance.

Ambry Genetics
Classification: Uncertain significance for Inborn genetic diseases. Last evaluated: 2025-07-02. Review status: criteria provided, single submitter. Criteria: Ambry Variant Classification Scheme 2023. Collection method: clinical testing. Allele origin: germline.